The following is an entry in ClinVar:

ClinVar aggregate classification (germline): Conflicting classifications of pathogenicity. Review status: criteria provided, conflicting classifications (1 of 4 stars). 2 submissions from 2 submitters: Uncertain significance (1); Likely benign (1). Last evaluated 2023-08-28.

Conditions:
Inborn genetic diseases. Identifiers: MedGen C0950123, MeSH D030342.

Allele frequency attached by ClinVar (database versions not stated): ExAC 0.00025; TOPMed 0.00039; gnomAD 0.00046; ESP Exome Variant Server 0.00047.
gnomAD v4.1: 645 of 1,188,194 alleles (0.054%); highest among the groups gnomAD compares: Non-Finnish European, 0.068%; no homozygotes.

Submissions (2):

Ambry Genetics
Classification: Uncertain significance for Inborn genetic diseases. Last evaluated: 2023-08-28. Review status: criteria provided, single submitter. Criteria: Ambry Variant Classification Scheme 2023. Collection method: clinical testing. Allele origin: germline.

CeGaT Center for Human Genetics Tuebingen
Classification: Likely benign. Last evaluated: 2022-07-01. Review status: criteria provided, single submitter. Criteria: CeGaT Center For Human Genetics Tuebingen Variant Classification Criteria Version 2. Collection method: clinical testing. Allele origin: germline. Affected: yes. Observed: 1 variant allele.
Comment: TEX11: BP4

NM_031276.3(TEX11):c.1473C>A (p.Asn491Lys)

Gene: TEX11 (testis expressed 11; minus strand). Cytogenetic location: Xq13.1.
Variant type: single nucleotide variant.
Coding change: c.1473C>A on transcript NM_031276.3 (MANE Select); coding-DNA position 1473, C replaced by A.
Protein change: p.Asn491Lys; replaces asparagine 491 with lysine.
Molecular consequence: missense variant.
Genome position (GRCh38, 1-based): chrX:70,651,460, G>T on the plus strand (C>A on the coding strand, the complement: TEX11 is on the minus strand). VCF-style: chrX-70651460-G-T. GRCh37 (hg19) VCF-style: chrX-69871310-G-T.
Other names: c.1518C>A, p.Asn506Lys (NM_001003811.2); short protein forms N506K, N491K.
Identifiers: ClinVar variation 2588904 (VCV002588904.26), dbSNP rs144149425, ClinGen allele CA10442676.